The following is an entry in ClinVar:

ClinVar aggregate classification (germline): Uncertain significance (1 of 4 stars; one submission).

Submission:

Labcorp Genetics (formerly Invitae), Labcorp
Classification: Uncertain significance. Last evaluated: 2025-06-15. Review status: criteria provided, single submitter. Criteria: Invitae Variant Classification Sherloc (09022015). Collection method: clinical testing. Allele origin: germline.
Comment: This sequence change replaces phenylalanine, which is neutral and non-polar, with leucine, which is neutral and non-polar, at codon 1699 of the CACNA1D protein (p.Phe1699Leu). This variant is not present in population databases (gnomAD no frequency). This variant has not been reported in the literature in individuals affected with CACNA1D-related conditions. An algorithm developed to predict the effect of missense changes on protein structure and function (PolyPhen-2) suggests that this variant is likely to be tolerated. In summary, the available evidence is currently insufficient to determine the role of this variant in disease. Therefore, it has been classified as a Variant of Uncertain Significance.

NM_001128840.3(CACNA1D):c.5035T>C (p.Phe1679Leu)

Gene: CACNA1D (calcium voltage-gated channel subunit alpha1 D; plus strand). Cytogenetic location: 3p21.1.
Variant type: single nucleotide variant.
Coding change: c.5035T>C on transcript NM_001128840.3 (MANE Select); coding-DNA position 5035, T replaced by C.
Protein change: p.Phe1679Leu; replaces phenylalanine 1679 with leucine.
Molecular consequence: missense variant.
Genome position (GRCh38, 1-based): chr3:53,800,360, T>C. VCF-style: chr3-53800360-T-C. GRCh37 (hg19) VCF-style: chr3-53834387-T-C.
Other names: c.5095T>C, p.Phe1699Leu (NM_000720.4); c.4990T>C, p.Phe1664Leu (NM_001128839.3); short protein forms F1679L, F1699L, F1664L.
Identifiers: ClinVar variation 4721458 (VCV004721458.1).